The following is an entry in ClinVar:

NM_000094.4(COL7A1):c.5374C>T (p.Pro1792Ser)

Gene: COL7A1 (collagen type VII alpha 1 chain; minus strand). Cytogenetic location: 3p21.31.
Variant type: single nucleotide variant.
Coding change: c.5374C>T on transcript NM_000094.4 (MANE Select); coding-DNA position 5374, C replaced by T.
Protein change: p.Pro1792Ser; replaces proline 1792 with serine.
Molecular consequence: missense variant.
Genome position (GRCh38, 1-based): chr3:48,579,211, G>A on the plus strand (C>T on the coding strand, the complement: COL7A1 is on the minus strand). VCF-style: chr3-48579211-G-A. GRCh37 (hg19) VCF-style: chr3-48616644-G-A.
Other names: short protein forms P1792S.
Identifiers: ClinVar variation 1938073 (VCV001938073.5), dbSNP rs1335874742, ClinGen allele CA352675436.

ClinVar aggregate classification (germline): Uncertain significance (1 of 4 stars; one submission).

Allele frequency attached by ClinVar (database versions not stated): gnomAD exomes below 0.00001; TOPMed below 0.00001.

Submission:

Labcorp Genetics (formerly Invitae), Labcorp
Classification: Uncertain significance. Last evaluated: 2023-07-10. Review status: criteria provided, single submitter. Criteria: Invitae Variant Classification Sherloc (09022015). Collection method: clinical testing. Allele origin: germline.
Comment: In summary, the available evidence is currently insufficient to determine the role of this variant in disease. Therefore, it has been classified as a Variant of Uncertain Significance. Advanced modeling of protein sequence and biophysical properties (such as structural, functional, and spatial information, amino acid conservation, physicochemical variation, residue mobility, and thermodynamic stability) performed at Invitae indicates that this missense variant is not expected to disrupt COL7A1 protein function. ClinVar contains an entry for this variant (Variation ID: 1938073). This variant has not been reported in the literature in individuals affected with COL7A1-related conditions. This variant is not present in population databases (gnomAD no frequency). This sequence change replaces proline, which is neutral and non-polar, with serine, which is neutral and polar, at codon 1792 of the COL7A1 protein (p.Pro1792Ser).